The following is an entry in ClinVar:

NM_016006.6(ABHD5):c.167G>A (p.Arg56His)

Gene: ABHD5 (abhydrolase domain containing 5, lysophosphatidic acid acyltransferase; plus strand). Cytogenetic location: 3p21.33.
Variant type: single nucleotide variant.
Coding change: c.167G>A on transcript NM_016006.6 (MANE Select); coding-DNA position 167, G replaced by A.
Protein change: p.Arg56His; replaces arginine 56 with histidine.
Molecular consequence: missense variant. On other transcripts: non-coding transcript variant (1).
Genome position (GRCh38, 1-based): chr3:43,702,248, G>A. VCF-style: chr3-43702248-G-A. GRCh37 (hg19) VCF-style: chr3-43743740-G-A.
Other names: c.167G>A, p.Arg56His (NM_001355186.2, NM_001365650.1); c.44G>A, p.Arg15His (NM_001365649.1); short protein forms R15H, R56H.
Identifiers: ClinVar variation 1901627 (VCV001901627.3), dbSNP rs757742884, ClinGen allele CA2341292.
Genomic context (GRCh38, chr3:43,702,248, plus strand): 5'-AGAATTTCTCTTTTATGTTTTCATTAGGTGTGCCTTGCACATACAAAAAAGAACCTGTTC[G>A]TATATCTAATGGAAATAAAATATGGACACTGAAGTTCTCTCATAATATTTCAAATAAGAC-3'
Protein context (NP_057090.2, residues 46-66): VPCTYKKEPV[Arg56His]ISNGNKIWTL

ClinVar aggregate classification (germline): Uncertain significance. Review status: criteria provided, multiple submitters, no conflicts (2 of 4 stars). 2 submissions from 2 submitters: Uncertain significance (2). Last evaluated 2022-12-09.

Allele frequency attached by ClinVar (database versions not stated): gnomAD exomes 0.00002; TOPMed 0.00002; gnomAD 0.00003; ExAC 0.00006.
gnomAD v4.1: 36 of 1,592,402 alleles (0.0023%); highest among the groups gnomAD compares: Middle Eastern, 0.017%; no homozygotes.

Submissions (2):

Blueprint Genetics
Classification: Uncertain significance. Last evaluated: 2022-12-09. Review status: criteria provided, single submitter. Criteria: ACMG Guidelines, 2015. Collection method: clinical testing. Allele origin: germline.

Labcorp Genetics (formerly Invitae), Labcorp
Classification: Uncertain significance. Last evaluated: 2022-04-11. Review status: criteria provided, single submitter. Criteria: Invitae Variant Classification Sherloc (09022015). Collection method: clinical testing. Allele origin: germline.
Comment: This sequence change replaces arginine, which is basic and polar, with histidine, which is basic and polar, at codon 56 of the ABHD5 protein (p.Arg56His). This variant is present in population databases (rs757742884, gnomAD 0.01%). This variant has not been reported in the literature in individuals affected with ABHD5-related conditions. Algorithms developed to predict the effect of missense changes on protein structure and function output the following: SIFT: "Tolerated"; PolyPhen-2: "Benign"; Align-GVGD: "Class C0". The histidine amino acid residue is found in multiple mammalian species, which suggests that this missense change does not adversely affect protein function. In summary, the available evidence is currently insufficient to determine the role of this variant in disease. Therefore, it has been classified as a Variant of Uncertain Significance.